The following is an entry in ClinVar:

NM_000179.3(MSH6):c.1801C>G (p.Leu601Val)

Gene: MSH6 (mutS homolog 6; plus strand). Cytogenetic location: 2p16.3.
Variant type: single nucleotide variant.
Coding change: c.1801C>G on transcript NM_000179.3 (MANE Select); coding-DNA position 1801, C replaced by G.
Protein change: p.Leu601Val; replaces leucine 601 with valine.
Molecular consequence: missense variant.
Genome position (GRCh38, 1-based): chr2:47,799,784, C>G. VCF-style: chr2-47799784-C-G. GRCh37 (hg19) VCF-style: chr2-48026923-C-G.
Other names: c.1411C>G, p.Leu471Val (NM_001281492.2); c.895C>G, p.Leu299Val (NM_001281493.2, NM_001281494.2); short protein forms L601V, L471V, L299V.
Identifiers: ClinVar variation 455154 (VCV000455154.12), dbSNP rs1553413197, ClinGen allele CA346749344.
Genomic context (GRCh38, chr2:47,799,784, plus strand): 5'-AGATTTAGGACTCTAGTGGCACACTATCCCCCAGTACAAGTTTTATTTGAAAAAGGAAAT[C>G]TCTCAAAGGAAACTAAAACAATTCTAAAGAGTTCATTGTCCTGTTCTCTTCAGGAAGGTC-3'
Protein context (NP_000170.1, residues 591-611): PVQVLFEKGN[Leu601Val]SKETKTILKS

ClinVar aggregate classification (germline): Uncertain significance. Review status: criteria provided, multiple submitters, no conflicts (2 of 4 stars). 3 submissions from 3 submitters: Uncertain significance (3). Last evaluated 2024-10-12.

Conditions:
Hereditary nonpolyposis colorectal neoplasms. Identifiers: MedGen C0009405, MeSH D003123.
Hereditary cancer-predisposing syndrome. Also called: Hereditary Cancer Syndrome; Hereditary neoplastic syndrome; Neoplastic Syndromes, Hereditary; Tumor predisposition. Identifiers: Orphanet 140162, MedGen C0027672, MeSH D009386, MONDO:0015356.

Allele frequency attached by ClinVar (database versions not stated): TOPMed below 0.00001.
gnomAD v4.1: 2 of 1,614,186 alleles (0.00012%); highest among the groups gnomAD compares: East Asian, 0.0022%; no homozygotes.

Submissions (3):

Ambry Genetics
Classification: Uncertain significance for Hereditary cancer-predisposing syndrome. Last evaluated: 2024-10-12. Review status: criteria provided, single submitter. Criteria: Ambry Variant Classification Scheme 2023. Collection method: clinical testing. Allele origin: germline.
Comment: The p.L601V variant (also known as c.1801C>G), located in coding exon 4 of the MSH6 gene, results from a C to G substitution at nucleotide position 1801. The leucine at codon 601 is replaced by valine, an amino acid with highly similar properties. This amino acid position is not well conserved in available vertebrate species. In addition, the in silico prediction for this alteration is inconclusive. Since supporting evidence is limited at this time, the clinical significance of this alteration remains unclear.

GeneDx
Classification: Uncertain significance. Last evaluated: 2023-05-03. Review status: criteria provided, single submitter. Criteria: GeneDx Variant Classification Process June 2021. Collection method: clinical testing. Allele origin: germline. Affected: yes.
Comment: Not observed at significant frequency in large population cohorts (gnomAD); In silico analysis supports that this missense variant does not alter protein structure/function; Has not been previously published as pathogenic or benign to our knowledge; This variant is associated with the following publications: (PMID: 22949387, 25078279, 29935853, 17531815, 21120944)

Labcorp Genetics (formerly Invitae), Labcorp
Classification: Uncertain significance for Hereditary nonpolyposis colorectal neoplasms. Last evaluated: 2022-08-09. Review status: criteria provided, single submitter. Criteria: Invitae Variant Classification Sherloc (09022015). Collection method: clinical testing. Allele origin: germline.
Comment: In summary, the available evidence is currently insufficient to determine the role of this variant in disease. Therefore, it has been classified as a Variant of Uncertain Significance. Advanced modeling of protein sequence and biophysical properties (such as structural, functional, and spatial information, amino acid conservation, physicochemical variation, residue mobility, and thermodynamic stability) performed at Invitae indicates that this missense variant is not expected to disrupt MSH6 protein function. ClinVar contains an entry for this variant (Variation ID: 455154). This variant has not been reported in the literature in individuals affected with MSH6-related conditions. This variant is not present in population databases (gnomAD no frequency). This sequence change replaces leucine, which is neutral and non-polar, with valine, which is neutral and non-polar, at codon 601 of the MSH6 protein (p.Leu601Val).